The following is an entry in ClinVar:

NM_001003722.2(GLE1):c.1906C>T (p.Gln636Ter)

Genes: GLE1 (GLE1 RNA export mediator; plus strand), LOC101929270 (uncharacterized LOC101929270; minus strand). Cytogenetic location: 9q34.11.
Variant type: single nucleotide variant.
Coding change: c.1906C>T on transcript NM_001003722.2 (MANE Select); coding-DNA position 1906, C replaced by T.
Protein change: p.Gln636Ter; replaces glutamine 636 with a stop codon.
Molecular consequence: nonsense.
Genome position (GRCh38, 1-based): chr9:128,539,640, C>T. VCF-style: chr9-128539640-C-T. GRCh37 (hg19) VCF-style: chr9-131301919-C-T.
Other names: c.1933C>T, p.Gln645Ter (NM_001411013.1); c.1906C>T, p.Gln636Ter (NM_001499.2); short protein forms Q645*, Q636*.
Identifiers: ClinVar variation 2842875 (VCV002842875.5), dbSNP rs2540647541, ClinGen allele CA375045802.

ClinVar aggregate classification (germline): Pathogenic/Likely pathogenic. Review status: criteria provided, multiple submitters, no conflicts (2 of 4 stars). 2 submissions from 2 submitters: Pathogenic (1); Likely pathogenic (1). Last evaluated 2025-04-04.

Conditions:
Lethal congenital contractural syndrome Finnish type.

Submissions (2):

Natera, Inc.
Classification: Likely pathogenic for Lethal congenital contractural syndrome Finnish type. Last evaluated: 2025-04-04. Review status: criteria provided, single submitter. Criteria: Natera Variant Classification Schema (03/2026). Collection method: clinical testing. Allele origin: germline.
Comment: The c.1906C>T variant in GLE1 is a nonsense variant predicted to introduce a stop codon at amino acid 636. This variant is expected to result in nonsense mediated decay, truncation, or a dysfunctional protein product. This variant is rare in the general population with a frequency below the threshold expected for the associated phenotype(s). Given the available evidence, this variant is classified as Likely Pathogenic.

Labcorp Genetics (formerly Invitae), Labcorp
Classification: Pathogenic. Last evaluated: 2023-03-04. Review status: criteria provided, single submitter. Criteria: Invitae Variant Classification Sherloc (09022015). Collection method: clinical testing. Allele origin: germline.
Comment: For these reasons, this variant has been classified as Pathogenic. This variant has not been reported in the literature in individuals affected with GLE1-related conditions. This variant is not present in population databases (gnomAD no frequency). This sequence change creates a premature translational stop signal (p.Gln636*) in the GLE1 gene. It is expected to result in an absent or disrupted protein product. Loss-of-function variants in GLE1 are known to be pathogenic (PMID: 18204449, 24243016, 27684565).

Literature cited by the submitters: PubMed 18204449 (cited by Labcorp Genetics (formerly Invitae), Labcorp); PubMed 24243016 (cited by Labcorp Genetics (formerly Invitae), Labcorp); PubMed 27684565 (cited by Labcorp Genetics (formerly Invitae), Labcorp).